The following is an entry in ClinVar:

NM_000516.7(GNAS):c.531-1G>C

Gene: GNAS (GNAS complex locus; plus strand). Cytogenetic location: 20q13.32.
Variant type: single nucleotide variant.
Coding change: c.531-1G>C on transcript NM_000516.7 (MANE Select); the canonical splice acceptor site of the intron before coding-DNA position 531, G replaced by C.
Molecular consequence: splice acceptor variant.
Genome position (GRCh38, 1-based): chr20:58,909,161, G>C. VCF-style: chr20-58909161-G-C. GRCh37 (hg19) VCF-style: chr20-57484216-G-C.
Other names: c.*437-1G>C (NM_016592.5); c.435-1G>C (NM_001410912.1); c.354-1G>C (NM_001309861.2, NM_001439291.1, NM_001309840.2 and 1 more transcripts); c.*392-1G>C (NM_001077490.3); c.2460-1G>C (NM_080425.4); c.2415-1G>C (NM_001410913.1); c.309-1G>C (NM_001438273.1, NM_001438274.1, NM_001438275.1); c.534-1G>C (NM_001077488.5); and 2 more.
Identifiers: ClinVar variation 4884224 (VCV004884224.2).

ClinVar aggregate classification (germline): Likely pathogenic (1 of 4 stars; one submission).

Submission:

Dasa
Classification: Likely pathogenic. Last evaluated: 2025-04-14. Review status: criteria provided, single submitter. Criteria: DASA Assertion Criteria. Collection method: clinical testing. Allele origin: germline.
Comment: NM_000516.7(GNAS):c.531-1G>C affects a canonical splice site and is predicted to disrupt normal RNA splicing. Loss of function is an established disease mechanism for GNAS (PMID: 9876352; PMID: 11095461; PMID: 11600516). Also, this variant is absent from population databases. Based on the currently available evidence, this variant is classified as likely pathogenic.

Literature cited by the submitters: PubMed 9876352; PubMed 11095461; PubMed 11600516.